The following is an entry in ClinVar:

NM_031448.6(C19orf12):c.169G>C (p.Val57Leu)

Gene: C19orf12 (chromosome 19 open reading frame 12; minus strand). Cytogenetic location: 19q12.
Variant type: single nucleotide variant.
Coding change: c.169G>C on transcript NM_031448.6 (MANE Select); coding-DNA position 169, G replaced by C.
Protein change: p.Val57Leu; replaces valine 57 with leucine.
Molecular consequence: missense variant. On other transcripts: 5 prime UTR variant (3).
Genome position (GRCh38, 1-based): chr19:29,702,969, C>G on the plus strand (G>C on the coding strand, the complement: C19orf12 is on the minus strand). VCF-style: chr19-29702969-C-G. GRCh37 (hg19) VCF-style: chr19-30193876-C-G.
Other names: c.169G>C, p.Val57Leu (NM_001031726.4, NM_001256046.3, NM_001256047.2); c.-24G>C (NM_001282929.1, NM_001282930.3, NM_001282931.3); short protein forms V57L.
Identifiers: ClinVar variation 1682830 (VCV001682830.7), dbSNP rs1972190861, ClinGen allele CA405143571.
Genomic context (GRCh38, chr19:29,702,969, plus strand): 5'-GGATCTGAGGAACCGGCTTAAACTGTCCACTTGTCATCCAGGCACCTAACAGCCCCCCGA[C>G]AGCCCCCCCTAGAAAACATGGAATCGTTCAATTAGTGGGTCTTATTCATAAGCGATGGCC-3'
Protein context (NP_113636.2, residues 47-67): GPPGLAVGGA[Val57Leu]GGLLGAWMTS

ClinVar aggregate classification (germline): Uncertain significance (1 of 4 stars; one submission).

Conditions:
Hereditary spastic paraplegia 43. Also called: Spastic paraplegia 43, autosomal recessive. Identifiers: Orphanet 320370, MedGen C2680446, MONDO:0014024, OMIM 615043.

Allele frequency attached by ClinVar (database versions not stated): gnomAD exomes below 0.00001; gnomAD 0.00001; TOPMed 0.00001.
gnomAD v4.1: 4 of 1,613,930 alleles (0.00025%); highest among the groups gnomAD compares: Admixed American, 0.0017%; no homozygotes.

Submission:

Labcorp Genetics (formerly Invitae), Labcorp
Classification: Uncertain significance for Hereditary spastic paraplegia 43. Last evaluated: 2022-07-18. Review status: criteria provided, single submitter. Criteria: Invitae Variant Classification Sherloc (09022015). Collection method: clinical testing. Allele origin: germline.
Comment: This variant is not present in population databases (gnomAD no frequency). This sequence change replaces valine, which is neutral and non-polar, with leucine, which is neutral and non-polar, at codon 68 of the C19orf12 protein (p.Val68Leu). In summary, the available evidence is currently insufficient to determine the role of this variant in disease. Therefore, it has been classified as a Variant of Uncertain Significance. Algorithms developed to predict the effect of missense changes on protein structure and function (SIFT, PolyPhen-2, Align-GVGD) all suggest that this variant is likely to be tolerated. ClinVar contains an entry for this variant (Variation ID: 1682830). This variant has not been reported in the literature in individuals affected with C19orf12-related conditions.